The following is an entry in ClinVar:

NM_001378457.1(DMXL2):c.1016C>T (p.Thr339Ile)

Gene: DMXL2 (Dmx like 2; minus strand). Cytogenetic location: 15q21.2.
Variant type: single nucleotide variant.
Coding change: c.1016C>T on transcript NM_001378457.1 (MANE Select); coding-DNA position 1016, C replaced by T.
Protein change: p.Thr339Ile; replaces threonine 339 with isoleucine.
Molecular consequence: missense variant. On other transcripts: non-coding transcript variant (2).
Genome position (GRCh38, 1-based): chr15:51,542,422, G>A on the plus strand (C>T on the coding strand, the complement: DMXL2 is on the minus strand). VCF-style: chr15-51542422-G-A. GRCh37 (hg19) VCF-style: chr15-51834619-G-A.
Other names: c.1016C>T, p.Thr339Ile (NM_001174116.3, NM_001174117.3, NM_001378458.1 and 7 more transcripts); short protein forms T339I.
Identifiers: ClinVar variation 1717479 (VCV001717479.8), dbSNP rs2048649656, ClinGen allele CA392468609.

ClinVar aggregate classification (germline): Uncertain significance. Review status: criteria provided, multiple submitters, no conflicts (2 of 4 stars). 2 submissions from 2 submitters: Uncertain significance (2). Last evaluated 2025-12-01.

Submissions (2):

CeGaT Center for Human Genetics Tuebingen
Classification: Uncertain significance. Last evaluated: 2025-12-01. Review status: criteria provided, single submitter. Criteria: CeGaT Center For Human Genetics Tuebingen Variant Classification Criteria Version 2. Collection method: clinical testing. Allele origin: germline. Affected: yes. Observed: 1 variant allele.
Comment: DMXL2: PM2, BP4

Labcorp Genetics (formerly Invitae), Labcorp
Classification: Uncertain significance. Last evaluated: 2022-08-21. Review status: criteria provided, single submitter. Criteria: Invitae Variant Classification Sherloc (09022015). Collection method: clinical testing. Allele origin: germline.
Comment: This sequence change replaces threonine, which is neutral and polar, with isoleucine, which is neutral and non-polar, at codon 339 of the DMXL2 protein (p.Thr339Ile). This variant is not present in population databases (gnomAD no frequency). This variant has not been reported in the literature in individuals affected with DMXL2-related conditions. Algorithms developed to predict the effect of missense changes on protein structure and function (SIFT, PolyPhen-2, Align-GVGD) all suggest that this variant is likely to be tolerated. Algorithms developed to predict the effect of sequence changes on RNA splicing suggest that this variant may disrupt the consensus splice site. In summary, the available evidence is currently insufficient to determine the role of this variant in disease. Therefore, it has been classified as a Variant of Uncertain Significance.